The following is an entry in ClinVar:

ClinVar aggregate classification (germline): Uncertain significance (1 of 4 stars; one submission).

Allele frequency attached by ClinVar (database versions not stated): TOPMed below 0.00001; gnomAD 0.00001.
gnomAD v4.1: 3 of 1,613,548 alleles (0.00019%); highest among the groups gnomAD compares: Non-Finnish European, 0.00025%; no homozygotes.

Submission:

GeneDx
Classification: Uncertain significance. Last evaluated: 2022-07-11. Review status: criteria provided, single submitter. Criteria: GeneDx Variant Classification Process June 2021. Collection method: clinical testing. Allele origin: germline. Affected: yes.
Comment: Not observed at significant frequency in large population cohorts (gnomAD); In silico analysis supports that this missense variant has a deleterious effect on protein structure/function; Has not been previously published as pathogenic or benign to our knowledge

NM_001244008.2(KIF1A):c.1721C>T (p.Thr574Ile)

Gene: KIF1A (kinesin family member 1A; minus strand). Cytogenetic location: 2q37.3.
Variant type: single nucleotide variant.
Coding change: c.1721C>T on transcript NM_001244008.2 (MANE Select); coding-DNA position 1721, C replaced by T.
Protein change: p.Thr574Ile; replaces threonine 574 with isoleucine.
Molecular consequence: missense variant.
Genome position (GRCh38, 1-based): chr2:240,765,757, G>A on the plus strand (C>T on the coding strand, the complement: KIF1A is on the minus strand). VCF-style: chr2-240765757-G-A. GRCh37 (hg19) VCF-style: chr2-241705174-G-A.
Other names: c.1721C>T, p.Thr574Ile (NM_001320705.2, NM_001330289.2, NM_001379638.1); c.1796C>T, p.Thr599Ile (NM_001330290.2, NM_001379631.1, NM_001379634.1 and 2 more transcripts); c.1694C>T, p.Thr565Ile (NM_001379632.1, NM_001379633.1, NM_001379636.1 and 11 more transcripts); c.1769C>T, p.Thr590Ile (NM_001379637.1, NM_001379648.1); short protein forms T565I, T574I, T590I, T599I.
Identifiers: ClinVar variation 1878749 (VCV001878749.1), dbSNP rs2051093177, ClinGen allele CA351327725.